The following is an entry in ClinVar:

NM_052989.3(IFT122):c.1992G>A (p.Lys664=)

Gene: IFT122 (intraflagellar transport 122; plus strand). Cytogenetic location: 3q21.3.
Variant type: single nucleotide variant.
Coding change: c.1992G>A on transcript NM_052989.3 (MANE Select); coding-DNA position 1992, G replaced by A.
Protein change: p.Lys664=; no amino-acid change (lysine 664 retained).
Molecular consequence: synonymous variant.
Genome position (GRCh38, 1-based): chr3:129,488,397, G>A. VCF-style: chr3-129488397-G-A. GRCh37 (hg19) VCF-style: chr3-129207240-G-A.
Other names: c.1968G>A, p.Lys656= (NM_001280541.2); c.1542G>A, p.Lys514= (NM_001280545.2); c.1365G>A, p.Lys455= (NM_001280546.2); c.1992G>A, p.Lys664= (NM_001410808.1, NM_001410809.1); c.1815G>A, p.Lys605= (NM_001410810.1, NM_001410811.1, NM_001410813.1 and 1 more transcripts); c.1659G>A, p.Lys553= (NM_001410815.1, NM_001410817.1, NM_052990.3); c.2145G>A, p.Lys715= (NM_052985.4).
Identifiers: ClinVar variation 2053638 (VCV002053638.5), dbSNP rs535606113, ClinGen allele CA2606360.
Genomic context (GRCh38, chr3:129,488,397, plus strand): 5'-TGATTGGCGTGAACTGGCCATGGAAGCGCTAGAAGGTTTAGATTTTGAAACAGCAAAGAA[G>A]GTAAGCATCTAGCCAGCAGGAGCTGGAGTTTGGTCCTTGTGGGGTCCCTTAAGAAGGCAG-3'
Protein context (NP_443715.1, residues 654-674): LEGLDFETAK[Lys664=]AFIRVQDLRY

ClinVar aggregate classification (germline): Uncertain significance. Review status: criteria provided, multiple submitters, no conflicts (2 of 4 stars). 3 submissions from 3 submitters: Uncertain significance (3). Last evaluated 2025-11-10.

Conditions:
Cranioectodermal dysplasia 1 (CED1). Also called: LEVIN SYNDROME I. Identifiers: Orphanet 1515, MedGen C0432235, MONDO:0021093, OMIM 218330.

Allele frequency attached by ClinVar (database versions not stated): ExAC 0.00005; TOPMed 0.00006; gnomAD 0.00008; 1000 Genomes Project 30x 0.00016; 1000 Genomes Project 0.00020.
gnomAD v4.1: 64 of 1,614,138 alleles (0.004%); highest among the groups gnomAD compares: Non-Finnish European, 0.0049%; no homozygotes.

Submissions (4):

Labcorp Genetics (formerly Invitae), Labcorp
Classification: Uncertain significance for Cranioectodermal dysplasia 1. Last evaluated: 2025-11-10. Review status: criteria provided, single submitter. Criteria: Invitae Variant Classification Sherloc (09022015). Collection method: clinical testing. Allele origin: germline.
Comment: This sequence change affects codon 715 of the IFT122 mRNA. It is a 'silent' change, meaning that it does not change the encoded amino acid sequence of the IFT122 protein. This variant also falls at the last nucleotide of exon 17, which is part of the consensus splice site for this exon. This variant is present in population databases (rs535606113, gnomAD 0.009%). This variant has not been reported in the literature in individuals affected with IFT122-related conditions. ClinVar contains an entry for this variant (Variation ID: 2053638). Variants that disrupt the consensus splice site are a relatively common cause of aberrant splicing (PMID: 17576681, 9536098). Algorithms developed to predict the effect of sequence changes on RNA splicing suggest that this variant may disrupt the consensus splice site. In summary, the available evidence is currently insufficient to determine the role of this variant in disease. Therefore, it has been classified as a Variant of Uncertain Significance.

Blueprint Genetics
Classification: Uncertain significance. Last evaluated: 2024-11-25. Review status: criteria provided, single submitter. Criteria: ACMG Guidelines, 2015. Collection method: clinical testing. Allele origin: germline.

Fulgent Genetics
Classification: Uncertain significance for Cranioectodermal dysplasia 1. Last evaluated: 2024-01-22. Review status: criteria provided, single submitter. Criteria: ACMG Guidelines, 2015. Collection method: clinical testing. Allele origin: germline.

Dr. Peter K. Rogan Lab, Western University
No classification provided (evidence only). Condition: Acute myeloid leukemia. Review status: no classification provided. Collection method: in vitro. Allele origin: not applicable. Functional consequence: skipped exon, retained intron. Not counted in ClinVar's aggregate classification.

Literature cited by the submitters: PubMed 17576681 (cited by Labcorp Genetics (formerly Invitae), Labcorp); PubMed 9536098 (cited by Labcorp Genetics (formerly Invitae), Labcorp).